The following is an entry in ClinVar:

NM_012330.4(KAT6B):c.3286G>A (p.Glu1096Lys)

Gene: KAT6B (lysine acetyltransferase 6B; plus strand). Cytogenetic location: 10q22.2.
Variant type: single nucleotide variant.
Coding change: c.3286G>A on transcript NM_012330.4 (MANE Select); coding-DNA position 3286, G replaced by A.
Protein change: p.Glu1096Lys; replaces glutamic acid 1096 with lysine.
Molecular consequence: missense variant.
Genome position (GRCh38, 1-based): chr10:75,022,145, G>A. VCF-style: chr10-75022145-G-A. GRCh37 (hg19) VCF-style: chr10-76781903-G-A.
Other names: c.2737G>A, p.Glu913Lys (NM_001256468.2, NM_001370138.1); c.2410G>A, p.Glu804Lys (NM_001256469.2, NM_001370139.1, NM_001370140.1 and 2 more transcripts); c.2248G>A, p.Glu750Lys (NM_001370132.1); c.1597G>A, p.Glu533Lys (NM_001370133.1); c.1201G>A, p.Glu401Lys (NM_001370134.1); c.943G>A, p.Glu315Lys (NM_001370135.1); c.3286G>A, p.Glu1096Lys (NM_001370136.1, NM_001370137.1); c.2221G>A, p.Glu741Lys (NM_001370143.1, NM_001370144.1); short protein forms E315K, E804K, E913K, E533K, E1096K, E401K, E741K, E750K.
Identifiers: ClinVar variation 2098120 (VCV002098120.4), dbSNP rs770674400, ClinGen allele CA5564782.

ClinVar aggregate classification (germline): Uncertain significance (1 of 4 stars; one submission).

Conditions:
Genitopatellar syndrome (GTPTS). Also called: ABSENT PATELLAE, SCROTAL HYPOPLASIA, RENAL ANOMALIES, FACIAL DYSMORPHISM, AND MENTAL RETARDATION; Genitopatellar syndrome (GPS). Identifiers: Orphanet 85201, MedGen C1853566, MONDO:0011640, OMIM 606170.

Allele frequency attached by ClinVar (database versions not stated): ExAC 0.00001; gnomAD exomes below 0.00001.
gnomAD v4.1: 1 of 1,584,704 alleles (0.000063%); highest among the groups gnomAD compares: Admixed American, 0.0017%; no homozygotes.

Submission:

Labcorp Genetics (formerly Invitae), Labcorp
Classification: Uncertain significance for Genitopatellar syndrome. Last evaluated: 2022-02-17. Review status: criteria provided, single submitter. Criteria: Invitae Variant Classification Sherloc (09022015). Collection method: clinical testing. Allele origin: germline.
Comment: In summary, the available evidence is currently insufficient to determine the role of this variant in disease. Therefore, it has been classified as a Variant of Uncertain Significance. Algorithms developed to predict the effect of missense changes on protein structure and function (SIFT, PolyPhen-2, Align-GVGD) all suggest that this variant is likely to be tolerated. This variant has not been reported in the literature in individuals affected with KAT6B-related conditions. The frequency data for this variant in the population databases is considered unreliable, as metrics indicate poor data quality at this position in the gnomAD database. This sequence change replaces glutamic acid, which is acidic and polar, with lysine, which is basic and polar, at codon 1096 of the KAT6B protein (p.Glu1096Lys).